The following is an entry in ClinVar:

ClinVar aggregate classification (germline): Uncertain significance (1 of 4 stars; one submission).

Conditions:
Myopathy, centronuclear, 2 (CNM2). Also called: MYOTUBULAR MYOPATHY, AUTOSOMAL RECESSIVE. Identifiers: Orphanet 169186, MedGen CN031787, MONDO:0009709, OMIM 255200.

Allele frequency attached by ClinVar (database versions not stated): gnomAD exomes below 0.00001; TOPMed below 0.00001; ExAC 0.00001; gnomAD 0.00001.
gnomAD v4.1: 4 of 1,613,606 alleles (0.00025%); highest among the groups gnomAD compares: Admixed American, 0.0017%; no homozygotes.

Submission:

Labcorp Genetics (formerly Invitae), Labcorp
Classification: Uncertain significance for Myopathy, centronuclear, 2. Last evaluated: 2021-10-29. Review status: criteria provided, single submitter. Criteria: Invitae Variant Classification Sherloc (09022015). Collection method: clinical testing. Allele origin: germline.
Comment: In summary, the available evidence is currently insufficient to determine the role of this variant in disease. Therefore, it has been classified as a Variant of Uncertain Significance. Algorithms developed to predict the effect of missense changes on protein structure and function (SIFT, PolyPhen-2, Align-GVGD) all suggest that this variant is likely to be tolerated. This variant has not been reported in the literature in individuals affected with BIN1-related conditions. This variant is present in population databases (rs763458588, gnomAD 0.003%). This sequence change replaces leucine, which is neutral and non-polar, with phenylalanine, which is neutral and non-polar, at codon 515 of the BIN1 protein (p.Leu515Phe).

NM_139343.3(BIN1):c.1545G>T (p.Leu515Phe)

Gene: BIN1 (bridging integrator 1; minus strand). Cytogenetic location: 2q14.3.
Variant type: single nucleotide variant.
Coding change: c.1545G>T on transcript NM_139343.3 (MANE Select); coding-DNA position 1545, G replaced by T.
Protein change: p.Leu515Phe; replaces leucine 515 with phenylalanine.
Molecular consequence: missense variant.
Genome position (GRCh38, 1-based): chr2:127,050,829, C>A on the plus strand (G>T on the coding strand, the complement: BIN1 is on the minus strand). VCF-style: chr2-127050829-C-A. GRCh37 (hg19) VCF-style: chr2-127808405-C-A.
Other names: c.1038G>T, p.Leu346Phe (NM_001320632.2); c.1176G>T, p.Leu392Phe (NM_001320633.2); c.921G>T, p.Leu307Phe (NM_001320634.1); c.1305G>T, p.Leu435Phe (NM_001320640.2); c.1452G>T, p.Leu484Phe (NM_001320641.2); c.1464G>T, p.Leu488Phe (NM_001320642.1); c.1128G>T, p.Leu376Phe (NM_004305.4); c.1416G>T, p.Leu472Phe (NM_139344.3); and 7 more; short protein forms L331F, L376F, L397F, L472F, L515F, L404F, L428F, L307F.
Identifiers: ClinVar variation 1345544 (VCV001345544.6), dbSNP rs763458588, ClinGen allele CA1857006.